The following is an entry in ClinVar:

ClinVar aggregate classification (germline): Pathogenic (1 of 4 stars; one submission).

Submission:

Labcorp Genetics (formerly Invitae), Labcorp
Classification: Pathogenic. Last evaluated: 2021-05-16. Review status: criteria provided, single submitter. Criteria: Invitae Variant Classification Sherloc (09022015). Collection method: clinical testing. Allele origin: germline.
Comment: This sequence change creates a premature translational stop signal (p.Asp1860Glufs*2) in the NSD1 gene. It is expected to result in an absent or disrupted protein product. Loss-of-function variants in NSD1 are known to be pathogenic (PMID: 12464997, 14571271, 15942875, 16247291). This variant is not present in population databases (ExAC no frequency). This variant has not been reported in the literature in individuals with NSD1-related conditions. For these reasons, this variant has been classified as Pathogenic.

Literature cited by the submitters: PubMed 12464997; PubMed 14571271; PubMed 15942875; PubMed 16247291.

NM_022455.5(NSD1):c.5580_5587del (p.Asp1860fs)

Gene: NSD1 (nuclear receptor binding SET domain protein 1; plus strand). Cytogenetic location: 5q35.3.
Variant type: Deletion.
Coding change: c.5580_5587del on transcript NM_022455.5 (MANE Select); coding-DNA positions 5580 to 5587, 8 bases deleted (CCGAAAGA; older notation c.5580_5587delCCGAAAGA).
Protein change: p.Asp1860fs; shifts the reading frame from aspartic acid 1860.
Molecular consequence: frameshift variant.
Genome position (GRCh38, 1-based): chr5:177,273,742-177,273,749, CCGAAAGA deleted; deleting any 8 consecutive bases within chr5:177,273,738-177,273,749 gives the same sequence; the c. name uses the placement nearest the transcript's 3' end. VCF-style (leftmost placement, unchanged base first): chr5-177273737-GAAGACCGA-G. GRCh37 (hg19) VCF-style: chr5-176700738-GAAGACCGA-G.
Other names: c.4707_4714delCCGAAAGA, p.Asp1569Glufs (NM_001365684.2, NM_001409308.1, NM_001409309.1 and 1 more transcripts); c.5580_5587delCCGAAAGA, p.Asp1860Glufs (NM_001409301.1, NM_001409302.1, NM_001409303.1); c.5160_5167delCCGAAAGA, p.Asp1720Glufs (NM_001409304.1); c.4827_4834delCCGAAAGA, p.Asp1609Glufs (NM_001409305.1); c.4818_4825delCCGAAAGA, p.Asp1606Glufs (NM_001409306.1, NM_001409307.1); short protein forms D1591fs, D1860fs.
Identifiers: ClinVar variation 1452419 (VCV001452419.6), dbSNP rs2127241978, ClinGen allele CA2573139464.